The following is an entry in ClinVar:

NM_006904.7(PRKDC):c.11633T>C (p.Val3878Ala)

Gene: PRKDC (protein kinase, DNA-activated, catalytic subunit; minus strand). Cytogenetic location: 8q11.21.
Variant type: single nucleotide variant.
Coding change: c.11633T>C on transcript NM_006904.7 (MANE Select); coding-DNA position 11633, T replaced by C.
Protein change: p.Val3878Ala; replaces valine 3878 with alanine.
Molecular consequence: missense variant.
Genome position (GRCh38, 1-based): chr8:47,778,746, A>G on the plus strand (T>C on the coding strand, the complement: PRKDC is on the minus strand). VCF-style: chr8-47778746-A-G. GRCh37 (hg19) VCF-style: chr8-48691307-A-G.
Other names: c.11540T>C, p.Val3847Ala (NM_001081640.2); short protein forms V3847A, V3878A.
Identifiers: ClinVar variation 1508568 (VCV001508568.6), dbSNP rs1180793274, ClinGen allele CA371128907.

ClinVar aggregate classification (germline): Uncertain significance (1 of 4 stars; one submission).

Conditions:
Severe combined immunodeficiency due to DNA-PKcs deficiency. Also called: IMMUNODEFICIENCY 26 WITH NEUROLOGIC ABNORMALITIES; Immunodeficiency 26 with or without neurologic abnormalities. Identifiers: Orphanet 317425, MedGen C4014833, MONDO:0014423, OMIM 615966.

Allele frequency attached by ClinVar (database versions not stated): gnomAD exomes below 0.00001; gnomAD 0.00001; TOPMed 0.00001.
gnomAD v4.1: 5 of 1,613,738 alleles (0.00031%); highest among the groups gnomAD compares: African/African-American, 0.0027%; no homozygotes.

Submission:

Labcorp Genetics (formerly Invitae), Labcorp
Classification: Uncertain significance for Severe combined immunodeficiency due to DNA-PKcs deficiency. Last evaluated: 2022-05-07. Review status: criteria provided, single submitter. Criteria: Invitae Variant Classification Sherloc (09022015). Collection method: clinical testing. Allele origin: germline.
Comment: This sequence change replaces valine, which is neutral and non-polar, with alanine, which is neutral and non-polar, at codon 3878 of the PRKDC protein (p.Val3878Ala). This variant is present in population databases (no rsID available, gnomAD 0.01%). In summary, the available evidence is currently insufficient to determine the role of this variant in disease. Therefore, it has been classified as a Variant of Uncertain Significance. Experimental studies and prediction algorithms are not available or were not evaluated, and the functional significance of this variant is currently unknown. This variant has not been reported in the literature in individuals affected with PRKDC-related conditions.